The following is an entry in ClinVar:

NM_001165963.4(SCN1A):c.397C>A (p.Leu133Ile)

Gene: SCN1A (sodium voltage-gated channel alpha subunit 1; minus strand). Cytogenetic location: 2q24.3.
Variant type: single nucleotide variant.
Coding change: c.397C>A on transcript NM_001165963.4 (MANE Select); coding-DNA position 397, C replaced by A.
Protein change: p.Leu133Ile; replaces leucine 133 with isoleucine.
Molecular consequence: missense variant. On other transcripts: 5 prime UTR variant (1), non-coding transcript variant (1).
Genome position (GRCh38, 1-based): chr2:166,056,487, G>T on the plus strand (C>A on the coding strand, the complement: SCN1A is on the minus strand). VCF-style: chr2-166056487-G-T. GRCh37 (hg19) VCF-style: chr2-166912997-G-T.
Other names: c.397C>A, p.Leu133Ile (NM_001165964.3, NM_001202435.3, NM_001353948.2 and 10 more transcripts); c.-2029C>A (NM_001353961.2); short protein forms L133I.
Identifiers: ClinVar variation 2154644 (VCV002154644.4), dbSNP rs1553552411, ClinGen allele CA349076126.

ClinVar aggregate classification (germline): Uncertain significance (1 of 4 stars; one submission).

Conditions:
Early-infantile DEE. Also called: Ohtahara syndrome; Early infantile epileptic encephalopathy with suppression bursts; Early infantile epileptic encephalopathy. Identifiers: Orphanet 1934, MedGen C0393706, MONDO:0800491.

gnomAD v4.1: 1 of 1,594,472 alleles (0.000063%); highest among the groups gnomAD compares: Non-Finnish European, 0.000086%; no homozygotes.

Submission:

Labcorp Genetics (formerly Invitae), Labcorp
Classification: Uncertain significance for Early-infantile DEE. Last evaluated: 2022-07-08. Review status: criteria provided, single submitter. Criteria: Invitae Variant Classification Sherloc (09022015). Collection method: clinical testing. Allele origin: germline.
Comment: In summary, the available evidence is currently insufficient to determine the role of this variant in disease. Therefore, it has been classified as a Variant of Uncertain Significance. Advanced modeling of protein sequence and biophysical properties (such as structural, functional, and spatial information, amino acid conservation, physicochemical variation, residue mobility, and thermodynamic stability) performed at Invitae indicates that this missense variant is not expected to disrupt SCN1A protein function. This variant has not been reported in the literature in individuals affected with SCN1A-related conditions. This variant is not present in population databases (gnomAD no frequency). This sequence change replaces leucine, which is neutral and non-polar, with isoleucine, which is neutral and non-polar, at codon 133 of the SCN1A protein (p.Leu133Ile).